The following is an entry in ClinVar:

ClinVar aggregate classification (germline): Likely pathogenic (1 of 4 stars; one submission).

Conditions:
Congenital lactic acidosis, Saguenay-Lac-Saint-Jean type (MC4DN5). Also called: CYTOCHROME c OXIDASE DEFICIENCY, FRENCH CANADIAN TYPE; COX DEFICIENCY, FRENCH CANADIAN TYPE; MITOCHONDRIAL COMPLEX IV DEFICIENCY, NUCLEAR TYPE 5. Identifiers: Orphanet 70472, MedGen C1857355, MONDO:0009069, OMIM 220111.

Submission:

Myriad Genetics, Inc.
Classification: Likely pathogenic for Congenital lactic acidosis, Saguenay-Lac-Saint-Jean type. Last evaluated: 2022-05-20. Review status: criteria provided, single submitter. Criteria: Myriad Women's Health Autosomal Recessive and X-Linked Classification Criteria (2021). Collection method: clinical testing. Allele origin: unknown.
Comment: NM_133259.3(LRPPRC):c.898_899del2ins19(L300Rfs*4) is expected to be pathogenic in the context of Leigh syndrome, French-Canadian type. This variant is predicted to lead to an abnormal or absent protein product due to the creation of a premature termination codon in LRPPRC, a gene where loss-of-function variants are known to be pathogenic. Please note: this variant was assessed in the context of healthy population screening.

NM_133259.4(LRPPRC):c.898_899delinsAGATGTGTATAAGAGACAG (p.Leu300delinsArgCysValTer)

Gene: LRPPRC (leucine rich pentatricopeptide repeat containing; minus strand). Cytogenetic location: 2p21.
Variant type: Indel.
Coding change: c.898_899delinsAGATGTGTATAAGAGACAG on transcript NM_133259.4 (MANE Select); coding-DNA positions 898 to 899, CT replaced by AGATGTGTATAAGAGACAG.
Protein change: p.Leu300delinsArgCysValTer.
Molecular consequence: nonsense.
Genome position (GRCh38, 1-based): chr2:43,974,724-43,974,725, AG replaced by CTGTCTCTTATACACATCT on the plus strand (CT replaced by AGATGTGTATAAGAGACAG on the coding strand, the reverse complement: LRPPRC is on the minus strand). VCF-style: chr2-43974724-AG-CTGTCTCTTATACACATCT. GRCh37 (hg19) VCF-style: chr2-44201863-AG-CTGTCTCTTATACACATCT.
Identifiers: ClinVar variation 1726185 (VCV001726185.2), dbSNP rs2466666431, ClinGen allele CA2580066927.